The following is an entry in ClinVar:

NM_014846.4(WASHC5):c.1772C>T (p.Ser591Phe)

Gene: WASHC5 (WASH complex subunit 5; minus strand). Cytogenetic location: 8q24.13.
Variant type: single nucleotide variant.
Coding change: c.1772C>T on transcript NM_014846.4 (MANE Select); coding-DNA position 1772, C replaced by T.
Protein change: p.Ser591Phe; replaces serine 591 with phenylalanine.
Molecular consequence: missense variant.
Genome position (GRCh38, 1-based): chr8:125,057,659, G>A on the plus strand (C>T on the coding strand, the complement: WASHC5 is on the minus strand). VCF-style: chr8-125057659-G-A. GRCh37 (hg19) VCF-style: chr8-126069901-G-A.
Other names: c.1328C>T, p.Ser443Phe (NM_001330609.2); short protein forms S591F, S443F.
Identifiers: ClinVar variation 495056 (VCV000495056.16), dbSNP rs1554593899, ClinGen allele CA372191452.
Genomic context (GRCh38, chr8:125,057,659, plus strand): 5'-ACGCTGAGCAGGTCGGGGCTATTTGCCTGATTAATACGAAGAAGGGGCAGATCGAGGGCA[G>A]AGGCAAGCTGGAAGAAAAATAAGGTATATCTGTTTCTTGTTTCAAAAAGAGTCCTAGAAA-3'
Protein context (NP_055661.3, residues 581-601): KLRATFLKLA[Ser591Phe]ALDLPLLRIN

ClinVar aggregate classification (germline): Pathogenic/Likely pathogenic. Review status: criteria provided, multiple submitters, no conflicts (2 of 4 stars). 4 submissions from 4 submitters: Pathogenic (1); Likely pathogenic (3). Last evaluated 2026-10-01.

Conditions:
Ritscher-Schinzel syndrome. Also called: CRANIOCEREBELLOCARDIAC DYSPLASIA. Identifiers: Orphanet 7, MedGen C0796137, MONDO:0019078.
Hereditary spastic paraplegia 8 (SPG8). Also called: SPASTIC PARAPLEGIA 8, AUTOSOMAL DOMINANT. Identifiers: Orphanet 100989, MedGen C1863704, MONDO:0011339, OMIM 603563.

Submissions (4):

CeGaT Center for Human Genetics Tuebingen
Classification: Likely pathogenic. Last evaluated: 2026-10-01. Review status: criteria provided, single submitter. Criteria: CeGaT Center For Human Genetics Tuebingen Variant Classification Criteria Version 2. Collection method: clinical testing. Allele origin: germline. Affected: yes. Observed: 1 variant allele.
Comment: WASHC5: PM2, PM5, PP3, PS4:Supporting

Labcorp Genetics (formerly Invitae), Labcorp
Classification: Pathogenic for Ritscher-Schinzel syndrome; Hereditary spastic paraplegia 8. Last evaluated: 2024-12-02. Review status: criteria provided, single submitter. Criteria: Invitae Variant Classification Sherloc (09022015). Collection method: clinical testing. Allele origin: germline.
Comment: This sequence change replaces serine, which is neutral and polar, with phenylalanine, which is neutral and non-polar, at codon 591 of the WASHC5 protein (p.Ser591Phe). This variant is not present in population databases (gnomAD no frequency). This missense change has been observed in individuals with clinical features of hereditary spastic paraplegia (internal data). ClinVar contains an entry for this variant (Variation ID: 495056). Invitae Evidence Modeling of protein sequence and biophysical properties (such as structural, functional, and spatial information, amino acid conservation, physicochemical variation, residue mobility, and thermodynamic stability) indicates that this missense variant is expected to disrupt WASHC5 protein function with a positive predictive value of 80%. This variant disrupts the p.Ser591 amino acid residue in WASHC5. Other variant(s) that disrupt this residue have been determined to be pathogenic (PMID: 24824269). This suggests that this residue is clinically significant, and that variants that disrupt this residue are likely to be disease-causing. For these reasons, this variant has been classified as Pathogenic.

Institute of Medical Genetics and Applied Genomics, University Hospital Tübingen
Classification: Likely pathogenic. Last evaluated: 2020-10-23. Review status: criteria provided, single submitter. Criteria: ACMG Guidelines, 2015. Collection method: clinical testing. Allele origin: germline. Inheritance: Unknown mechanism. Affected: yes.

Center of Genomic medicine, Geneva, University Hospital of Geneva
Classification: Likely pathogenic for Hereditary spastic paraplegia 8. Last evaluated: 2017-08-07. Review status: criteria provided, single submitter. Criteria: ACMG Guidelines, 2015. Collection method: clinical testing. Allele origin: germline. Affected: yes.

Literature cited by the submitters: PubMed 24824269 (cited by Labcorp Genetics (formerly Invitae), Labcorp).